The following is an entry in ClinVar:

ClinVar aggregate classification (germline): Uncertain significance (1 of 4 stars; one submission).

gnomAD v4.1: 7 of 1,613,208 alleles (0.00043%); highest among the groups gnomAD compares: Non-Finnish European, 0.00059%; no homozygotes.

Submission:

Labcorp Genetics (formerly Invitae), Labcorp
Classification: Uncertain significance. Last evaluated: 2023-10-14. Review status: criteria provided, single submitter. Criteria: Invitae Variant Classification Sherloc (09022015). Collection method: clinical testing. Allele origin: germline.
Comment: This sequence change replaces glutamine, which is neutral and polar, with leucine, which is neutral and non-polar, at codon 1889 of the ALPK3 protein (p.Gln1889Leu). This variant is not present in population databases (gnomAD no frequency). This variant has not been reported in the literature in individuals affected with ALPK3-related conditions. An algorithm developed to predict the effect of missense changes on protein structure and function (PolyPhen-2) suggests that this variant is likely to be disruptive. In summary, the available evidence is currently insufficient to determine the role of this variant in disease. Therefore, it has been classified as a Variant of Uncertain Significance.

NM_020778.5(ALPK3):c.5060A>T (p.Gln1687Leu)

Gene: ALPK3 (alpha kinase 3; plus strand). Cytogenetic location: 15q25.3.
Variant type: single nucleotide variant.
Coding change: c.5060A>T on transcript NM_020778.5 (MANE Select); coding-DNA position 5060, A replaced by T.
Protein change: p.Gln1687Leu; replaces glutamine 1687 with leucine.
Molecular consequence: missense variant.
Genome position (GRCh38, 1-based): chr15:84,868,398, A>T. VCF-style: chr15-84868398-A-T. GRCh37 (hg19) VCF-style: chr15-85411629-A-T.
Other names: short protein forms Q1687L.
Identifiers: ClinVar variation 2776782 (VCV002776782.3), dbSNP rs781341096, ClinGen allele CA393366361.